The following is an entry in ClinVar:

ClinVar aggregate classification (germline): Uncertain significance (1 of 4 stars; one submission).

Submission:

Labcorp Genetics (formerly Invitae), Labcorp
Classification: Uncertain significance. Last evaluated: 2025-03-10. Review status: criteria provided, single submitter. Criteria: Invitae Variant Classification Sherloc (09022015). Collection method: clinical testing. Allele origin: germline.
Comment: This sequence change replaces glycine, which is neutral and non-polar, with arginine, which is basic and polar, at codon 1107 of the COL4A2 protein (p.Gly1107Arg). This variant is not present in population databases (gnomAD no frequency). This variant has not been reported in the literature in individuals affected with COL4A2-related conditions. Invitae Evidence Modeling of protein sequence and biophysical properties (such as structural, functional, and spatial information, amino acid conservation, physicochemical variation, residue mobility, and thermodynamic stability) has been performed for this missense variant. However, the output from this modeling did not meet the statistical confidence thresholds required to predict the impact of this variant on COL4A2 protein function. In summary, the available evidence is currently insufficient to determine the role of this variant in disease. Therefore, it has been classified as a Variant of Uncertain Significance.

NM_001846.4(COL4A2):c.3319G>A (p.Gly1107Arg)

Gene: COL4A2 (collagen type IV alpha 2 chain; plus strand). Cytogenetic location: 13q34.
Variant type: single nucleotide variant.
Coding change: c.3319G>A on transcript NM_001846.4 (MANE Select); coding-DNA position 3319, G replaced by A.
Protein change: p.Gly1107Arg; replaces glycine 1107 with arginine.
Molecular consequence: missense variant.
Genome position (GRCh38, 1-based): chr13:110,489,758, G>A. VCF-style: chr13-110489758-G-A. GRCh37 (hg19) VCF-style: chr13-111142105-G-A.
Other names: short protein forms G1107R.
Identifiers: ClinVar variation 4776633 (VCV004776633.1).